The following is an entry in ClinVar:

NM_172364.5(CACNA2D4):c.3177_3178dup (p.Asp1060fs)

Gene: CACNA2D4 (calcium voltage-gated channel auxiliary subunit alpha2delta 4; minus strand). Cytogenetic location: 12p13.33.
Variant type: Microsatellite.
Coding change: c.3177_3178dup on transcript NM_172364.5 (MANE Select); coding-DNA positions 3177 to 3178, 2 bases duplicated (TG; older notation c.3177_3178dupTG).
Protein change: p.Asp1060fs; shifts the reading frame from aspartic acid 1060.
Molecular consequence: frameshift variant.
Genome position (GRCh38, 1-based): chr12:1,795,716-1,795,717, CA duplicated on the plus strand (TG on the coding strand, the reverse complement: CACNA2D4 is on the minus strand); duplicating any 2 consecutive bases within chr12:1,795,716-1,795,719 gives the same sequence; the c. name uses the placement nearest the transcript's 3' end. VCF-style (leftmost placement, unchanged base first): chr12-1795715-T-TCA. GRCh37 (hg19) VCF-style: chr12-1904881-T-TCA.
Other names: short protein forms D1060fs.
Identifiers: ClinVar variation 3234715 (VCV003234715.20), dbSNP rs2497681025, ClinGen allele CA2825002066.

ClinVar aggregate classification (germline): Pathogenic (1 of 4 stars; one submission).

Submission:

CeGaT Center for Human Genetics Tuebingen
Classification: Pathogenic. Last evaluated: 2024-04-01. Review status: criteria provided, single submitter. Criteria: CeGaT Center For Human Genetics Tuebingen Variant Classification Criteria Version 2. Collection method: clinical testing. Allele origin: germline. Affected: yes. Observed: 1 variant allele.
Comment: CACNA2D4: PVS1, PM2, PM3:Supporting